The following is an entry in ClinVar:

ClinVar aggregate classification (germline): Conflicting classifications of pathogenicity. Review status: criteria provided, conflicting classifications (1 of 4 stars). 9 submissions from 8 submitters: Uncertain significance (3); Likely benign (6). Last evaluated 2025-12-02.

Conditions:
Noonan syndrome 5 (NS5). Also called: RAF1-Related Noonan Syndrome. Identifiers: Orphanet 648, MedGen C1969057, MONDO:0012690, OMIM 611553. Disease mechanism: gain of function.
LEOPARD syndrome 2 (LPRD2). Also called: RAF1-Related LEOPARD Syndrome. Identifiers: Orphanet 500, MedGen C1969056, MONDO:0012691, OMIM 611554.
Noonan syndrome and Noonan-related syndrome. Identifiers: Orphanet 98733, MedGen C5681679, MONDO:0020297.
Cardiovascular phenotype. Identifiers: MedGen CN230736.
RASopathy. Also called: rasopathies; Noonan spectrum disorder. Identifiers: Orphanet 536391, MedGen C5555857, MONDO:0021060.

Allele frequency attached by ClinVar (database versions not stated): gnomAD 0.00002 and 0.00005; gnomAD exomes 0.00003 and 0.00005; ExAC 0.00005; 1000 Genomes Project 30x 0.00016; 1000 Genomes Project 0.00020.
gnomAD v4.1: 53 of 1,614,122 alleles (0.0033%); highest among the groups gnomAD compares: South Asian, 0.025%; 1 homozygote.

Submissions (9):

Labcorp Genetics (formerly Invitae), Labcorp
Classification: Likely benign for RASopathy. Last evaluated: 2025-12-02. Review status: criteria provided, single submitter. Criteria: Invitae Variant Classification Sherloc (09022015). Collection method: clinical testing. Allele origin: germline.

Ambry Genetics
Classification: Likely benign for Cardiovascular phenotype. Last evaluated: 2024-09-23. Review status: criteria provided, single submitter. Criteria: Ambry Variant Classification Scheme 2023. Collection method: clinical testing. Allele origin: germline.

Blueprint Genetics
Classification: Likely benign. Last evaluated: 2024-01-09. Review status: criteria provided, single submitter. Criteria: ACMG Guidelines, 2015. Collection method: clinical testing. Allele origin: germline.

CeGaT Center for Human Genetics Tuebingen
Classification: Likely benign. Last evaluated: 2023-08-01. Review status: criteria provided, single submitter. Criteria: CeGaT Center For Human Genetics Tuebingen Variant Classification Criteria Version 2. Collection method: clinical testing. Allele origin: germline. Affected: yes. Observed: 2 variant alleles.
Comment: RAF1: BP4

GeneDx
Classification: Uncertain significance. Last evaluated: 2022-10-17. Review status: criteria provided, single submitter. Criteria: GeneDx Variant Classification Process June 2021. Collection method: clinical testing. Allele origin: germline. Affected: yes.
Comment: Reported in a cohort of patients with history of ischemic stroke in published literature (Janicki et al., 2017); Missense variants in this gene are often considered pathogenic (HGMD); In silico analysis supports that this missense variant does not alter protein structure/function; This variant is associated with the following publications: (PMID: 29232918)

Women's Health and Genetics/Laboratory Corporation of America, LabCorp
Classification: Likely benign. Last evaluated: 2019-11-22. Review status: criteria provided, single submitter. Criteria: LabCorp Variant Classification Summary - May 2015. Collection method: clinical testing. Allele origin: germline.
Comment: Variant summary: RAF1 c.934G>A (p.Val312Met) results in a conservative amino acid change in the encoded protein sequence. Four of five in-silico tools predict a benign effect of the variant on protein function. The variant allele was found at a frequency of 4.8e-05 in 251336 control chromosomes (gnomAD). The observed variant frequency is approximately 2 fold of the estimated maximal expected allele frequency for a pathogenic variant in RAF1 causing Noonan Syndrome and Related Conditions phenotype (2.5e-05), strongly suggesting that the variant is benign. c.934G>A has been reported in the literature in individuals affected with acute ischemic stroke (Janicki _2017). This report does not provide unequivocal conclusions about association of the variant with Noonan Syndrome and Related Conditions. To our knowledge, no experimental evidence demonstrating an impact on protein function has been reported. A ClinVar submitter (evaluation after 2014) cites the variant as uncertain significance. Based on the evidence outlined above, the variant was classified as likely benign.

Illumina Laboratory Services, Illumina
Classification: Likely benign for LEOPARD syndrome 2. Last evaluated: 2018-01-13. Review status: criteria provided, single submitter. Criteria: ICSL Variant Classification Criteria 13 December 2019. Collection method: clinical testing. Allele origin: germline.
Comment: This variant was observed in the ICSL laboratory as part of a predisposition screen in an ostensibly healthy population. It had not been previously curated by ICSL or reported in the Human Gene Mutation Database (HGMD: prior to June 1st, 2018), and was therefore a candidate for classification through an automated scoring system. Utilizing variant allele frequency, disease prevalence and penetrance estimates, and inheritance mode, an automated score was calculated to assess if this variant is too frequent to cause the disease. Based on the score and internal cut-off values, a variant classified as likely benign is not then subjected to further curation. The score for this variant resulted in a classification of likely benign for this disease.

Illumina Laboratory Services, Illumina
Classification: Uncertain significance for Noonan syndrome 5. Last evaluated: 2018-01-13. Review status: criteria provided, single submitter. Criteria: ICSL Variant Classification Criteria 13 December 2019. Collection method: clinical testing. Allele origin: germline.

Genome Diagnostics Laboratory, The Hospital for Sick Children
Classification: Uncertain significance for Noonan syndrome and Noonan-related syndrome. Last evaluated: 2017-05-02. Review status: criteria provided, single submitter. Criteria: ACMG Guidelines, 2015. Collection method: clinical testing. Allele origin: germline.

Literature cited by the submitters: PubMed 29232918 (cited by Women's Health and Genetics/Laboratory Corporation of America, LabCorp).

NM_002880.4(RAF1):c.934G>A (p.Val312Met)

Gene: RAF1 (Raf-1 proto-oncogene, serine/threonine kinase; minus strand). Cytogenetic location: 3p25.2.
Variant type: single nucleotide variant.
Coding change: c.934G>A on transcript NM_002880.4 (MANE Select); coding-DNA position 934, G replaced by A.
Protein change: p.Val312Met; replaces valine 312 with methionine.
Molecular consequence: missense variant. On other transcripts: non-coding transcript variant (3).
Genome position (GRCh38, 1-based): chr3:12,600,208, C>T on the plus strand (G>A on the coding strand, the complement: RAF1 is on the minus strand). VCF-style: chr3-12600208-C-T. GRCh37 (hg19) VCF-style: chr3-12641707-C-T.
Other names: c.994G>A, p.Val332Met (NM_001354689.3); c.934G>A, p.Val312Met (NM_001354690.3); c.691G>A, p.Val231Met (NM_001354691.3, NM_001354692.3); c.835G>A, p.Val279Met (NM_001354693.3); c.751G>A, p.Val251Met (NM_001354694.3); c.592G>A, p.Val198Met (NM_001354695.3); short protein forms V312M, V332M, V231M, V198M, V251M, V279M.
Identifiers: ClinVar variation 477682 (VCV000477682.46), dbSNP rs555034652, ClinGen allele CA2259626.